The following is an entry in ClinVar:

ClinVar aggregate classification (germline): Likely benign (1 of 4 stars; one submission).

Conditions:
GRPR-related disorder. Also called: GRPR-related condition.

gnomAD v4.1: 12 of 1,206,238 alleles (0.00099%); highest among the groups gnomAD compares: Middle Eastern, 0.14%; 1 homozygote.

Submission:

PreventionGenetics, part of Exact Sciences
Classification: Likely benign for GRPR-related condition. Last evaluated: 2025-09-12. Review status: criteria provided, single submitter. Criteria: ACMG Guidelines, 2015. Collection method: clinical testing. Allele origin: germline.
Comment: This variant is classified as likely benign based on ACMG/AMP sequence variant interpretation guidelines (Richards et al. 2015 PMID: 25741868, with internal and published modifications).

NM_005314.3(GRPR):c.405G>C (p.Ser135=)

Gene: GRPR (gastrin releasing peptide receptor; plus strand). Cytogenetic location: Xp22.2.
Variant type: single nucleotide variant.
Coding change: c.405G>C on transcript NM_005314.3 (MANE Select); coding-DNA position 405, G replaced by C.
Protein change: p.Ser135=; no amino-acid change (serine 135 retained).
Molecular consequence: synonymous variant.
Genome position (GRCh38, 1-based): chrX:16,124,358, G>C. VCF-style: chrX-16124358-G-C. GRCh37 (hg19) VCF-style: chrX-16142481-G-C.
Identifiers: ClinVar variation 4990211 (VCV004990211.1).